The following is an entry in ClinVar:

ClinVar aggregate classification (germline): Uncertain significance (1 of 4 stars; one submission).

Submission:

Labcorp Genetics (formerly Invitae), Labcorp
Classification: Uncertain significance. Last evaluated: 2022-08-09. Review status: criteria provided, single submitter. Criteria: Invitae Variant Classification Sherloc (09022015). Collection method: clinical testing. Allele origin: germline.
Comment: In summary, the available evidence is currently insufficient to determine the role of this variant in disease. Therefore, it has been classified as a Variant of Uncertain Significance. Algorithms developed to predict the effect of missense changes on protein structure and function are either unavailable or do not agree on the potential impact of this missense change (SIFT: "Deleterious"; PolyPhen-2: "Benign"; Align-GVGD: "Class C15"). This variant has not been reported in the literature in individuals affected with REN-related conditions. This variant is not present in population databases (gnomAD no frequency). This sequence change replaces threonine, which is neutral and polar, with lysine, which is basic and polar, at codon 151 of the REN protein (p.Thr151Lys).

NM_000537.4(REN):c.452C>A (p.Thr151Lys)

Gene: REN (renin; minus strand). Cytogenetic location: 1q32.1.
Variant type: single nucleotide variant.
Coding change: c.452C>A on transcript NM_000537.4 (MANE Select); coding-DNA position 452, C replaced by A.
Protein change: p.Thr151Lys; replaces threonine 151 with lysine.
Molecular consequence: missense variant.
Genome position (GRCh38, 1-based): chr1:204,160,600, G>T on the plus strand (C>A on the coding strand, the complement: REN is on the minus strand). VCF-style: chr1-204160600-G-T. GRCh37 (hg19) VCF-style: chr1-204129728-G-T.
Other names: short protein forms T151K.
Identifiers: ClinVar variation 1715948 (VCV001715948.5), dbSNP rs1229083474, ClinGen allele CA344339376.